The following is an entry in ClinVar:

ClinVar aggregate classification (germline): Uncertain significance (1 of 4 stars; one submission).

Submission:

Labcorp Genetics (formerly Invitae), Labcorp
Classification: Uncertain significance. Last evaluated: 2024-03-08. Review status: criteria provided, single submitter. Criteria: Invitae Variant Classification Sherloc (09022015). Collection method: clinical testing. Allele origin: germline.
Comment: This sequence change replaces serine, which is neutral and polar, with cysteine, which is neutral and slightly polar, at codon 486 of the MSH3 protein (p.Ser486Cys). This variant is present in population databases (no rsID available, gnomAD 0.0009%). This variant has not been reported in the literature in individuals affected with MSH3-related conditions. An algorithm developed to predict the effect of missense changes on protein structure and function (PolyPhen-2) suggests that this variant is likely to be tolerated. In summary, the available evidence is currently insufficient to determine the role of this variant in disease. Therefore, it has been classified as a Variant of Uncertain Significance.

NM_002439.5(MSH3):c.1457C>G (p.Ser486Cys)

Gene: MSH3 (mutS homolog 3; plus strand). Cytogenetic location: 5q14.1.
Variant type: single nucleotide variant.
Coding change: c.1457C>G on transcript NM_002439.5 (MANE Select); coding-DNA position 1457, C replaced by G.
Protein change: p.Ser486Cys; replaces serine 486 with cysteine.
Molecular consequence: missense variant.
Genome position (GRCh38, 1-based): chr5:80,728,854, C>G. VCF-style: chr5-80728854-C-G. GRCh37 (hg19) VCF-style: chr5-80024673-C-G.
Other names: short protein forms S486C.
Identifiers: ClinVar variation 3645104 (VCV003645104.2).